The following is an entry in ClinVar:

NC_000006.12:g.46079983A>T

Gene: CLIC5 (CLIC family member 5; minus strand). Cytogenetic location: 6p21.1.
Variant type: single nucleotide variant.
Molecular consequence: missense variant (on NM_001114086.2). On other transcripts: intron variant (1).
Genome position: GRCh38 VCF-style: chr6-46079983-A-T. GRCh37 (hg19) VCF-style: chr6-46047720-A-T.
Other names: c.260T>A, p.Ile87Lys (NM_001114086.2, NM_001370650.1); c.-55+49521T>A (NM_001370649.1); short protein forms I87K.
Identifiers: ClinVar variation 1404098 (VCV001404098.7), dbSNP rs753331056, ClinGen allele CA3836988.

ClinVar aggregate classification (germline): Uncertain significance (1 of 4 stars; one submission).

Allele frequency attached by ClinVar (database versions not stated): gnomAD exomes 0.00018 and 0.00004; ExAC 0.00005; gnomAD 0.00005 and 0.00006; TOPMed 0.00009.
gnomAD v4.1: 261 of 1,551,532 alleles (0.017%); highest among the groups gnomAD compares: Non-Finnish European, 0.022%; no homozygotes.

Submission:

Labcorp Genetics (formerly Invitae), Labcorp
Classification: Uncertain significance. Last evaluated: 2025-03-10. Review status: criteria provided, single submitter. Criteria: Invitae Variant Classification Sherloc (09022015). Collection method: clinical testing. Allele origin: germline.
Comment: This sequence change replaces isoleucine, which is neutral and non-polar, with lysine, which is basic and polar, at codon 87 of the CLIC5 protein (p.Ile87Lys). This variant is present in population databases (rs753331056, gnomAD 0.01%). This variant has not been reported in the literature in individuals affected with CLIC5-related conditions. ClinVar contains an entry for this variant (Variation ID: 1404098). An algorithm developed to predict the effect of missense changes on protein structure and function (PolyPhen-2) suggests that this variant is likely to be tolerated. In summary, the available evidence is currently insufficient to determine the role of this variant in disease. Therefore, it has been classified as a Variant of Uncertain Significance.